The following is an entry in ClinVar:

NM_198514.4(NHLRC2):c.1038A>G (p.Ser346=)

Gene: NHLRC2 (NHL repeat containing 2; plus strand). Cytogenetic location: 10q25.3.
Variant type: single nucleotide variant.
Coding change: c.1038A>G on transcript NM_198514.4 (MANE Select); coding-DNA position 1038, A replaced by G.
Protein change: p.Ser346=; no amino-acid change (serine 346 retained).
Molecular consequence: synonymous variant.
Genome position (GRCh38, 1-based): chr10:113,884,379, A>G. VCF-style: chr10-113884379-A-G. GRCh37 (hg19) VCF-style: chr10-115644138-A-G.
Other names: NC_000010.10:g.115644138A>G.
Identifiers: ClinVar variation 4360119 (VCV004360119.3).
Genomic context (GRCh38, chr10:113,884,379, plus strand): 5'-TGGAGCAAAAGGAGAACAACAACCCATTAGTTCCCCTTGGGATGTAGTTTTTGGAACATC[A>G]GGTATGTGAACTTTTGATATTAAATGTAAAGGTAAATTTTACTTCATGTAAGATTTAAAA-3'
Protein context (NP_940916.2, residues 336-356): SSPWDVVFGT[Ser346=]GSEVQRGDIL

ClinVar aggregate classification (germline): Likely benign (1 of 4 stars; one submission).

gnomAD v4.1: 7 of 1,606,102 alleles (0.00044%); highest among the groups gnomAD compares: Admixed American, 0.012%; no homozygotes.

Submissions (2):

CeGaT Center for Human Genetics Tuebingen
Classification: Likely benign. Last evaluated: 2026-05-01. Review status: criteria provided, single submitter. Criteria: CeGaT Center For Human Genetics Tuebingen Variant Classification Criteria Version 2. Collection method: clinical testing. Allele origin: germline. Affected: yes. Observed: 1 variant allele.
Comment: NHLRC2: BP4, BP7

Dr. Peter K. Rogan Lab, Western University
No classification provided (evidence only). Condition: Hepatocellular carcinoma. Review status: no classification provided. Collection method: in vitro. Allele origin: not applicable. Functional consequence: retained intron. Not counted in ClinVar's aggregate classification.